The following is an entry in ClinVar:

NM_032043.3(BRIP1):c.691A>G (p.Asn231Asp)

Gene: BRIP1 (BRCA1 interacting DNA helicase 1; minus strand). Cytogenetic location: 17q23.2.
Variant type: single nucleotide variant.
Coding change: c.691A>G on transcript NM_032043.3 (MANE Select); coding-DNA position 691, A replaced by G.
Protein change: p.Asn231Asp; replaces asparagine 231 with aspartic acid.
Molecular consequence: missense variant.
Genome position (GRCh38, 1-based): chr17:61,808,694, T>C on the plus strand (A>G on the coding strand, the complement: BRIP1 is on the minus strand). VCF-style: chr17-61808694-T-C. GRCh37 (hg19) VCF-style: chr17-59886055-T-C.
Other names: short protein forms N231D.
Identifiers: ClinVar variation 5033443 (VCV005033443.1).

ClinVar aggregate classification (germline): Uncertain significance (1 of 4 stars; one submission).

Conditions:
Hereditary cancer-predisposing syndrome. Also called: Neoplastic Syndromes, Hereditary; Tumor predisposition; Hereditary neoplastic syndrome; Hereditary Cancer Syndrome. Identifiers: Orphanet 140162, MedGen C0027672, MeSH D009386, MONDO:0015356.

gnomAD v4.1: 1 of 1,613,994 alleles (0.000062%); highest among the groups gnomAD compares: South Asian, 0.0011%; no homozygotes.

Submission:

Ambry Genetics
Classification: Uncertain significance for Hereditary cancer-predisposing syndrome. Last evaluated: 2026-08-04. Review status: criteria provided, single submitter. Criteria: Ambry Variant Classification Scheme 2023. Collection method: clinical testing. Allele origin: germline.
Comment: The p.N231D variant (also known as c.691A>G), located in coding exon 6 of the BRIP1 gene, results from an A to G substitution at nucleotide position 691. The asparagine at codon 231 is replaced by aspartic acid, an amino acid with highly similar properties. This amino acid position is conserved. In addition, this alteration is predicted to be tolerated by in silico analysis. Based on the available evidence, the clinical significance of this variant remains unclear.